The following is an entry in ClinVar:

ClinVar aggregate classification (germline): Uncertain significance (1 of 4 stars; one submission).

Submission:

GeneDx
Classification: Uncertain significance. Last evaluated: 2023-10-31. Review status: criteria provided, single submitter. Criteria: GeneDx Variant Classification Process June 2021. Collection method: clinical testing. Allele origin: germline. Affected: yes.
Comment: Not observed at significant frequency in large population cohorts (gnomAD); In silico analysis supports that this missense variant has a deleterious effect on protein structure/function; Has not been previously published as pathogenic or benign to our knowledge; In silico analysis suggests this variant may impact gene splicing. In the absence of RNA/functional studies, the actual effect of this sequence change is unknown.

NM_001386298.1(CIC):c.4125G>T (p.Lys1375Asn)

Gene: CIC (capicua transcriptional repressor; plus strand). Cytogenetic location: 19q13.2.
Variant type: single nucleotide variant.
Coding change: c.4125G>T on transcript NM_001386298.1 (MANE Select); coding-DNA position 4125, G replaced by T.
Protein change: p.Lys1375Asn; replaces lysine 1375 with asparagine.
Molecular consequence: missense variant.
Genome position (GRCh38, 1-based): chr19:42,289,885, G>T. VCF-style: chr19-42289885-G-T. GRCh37 (hg19) VCF-style: chr19-42794037-G-T.
Other names: c.4125G>T, p.Lys1375Asn (NM_001304815.2, NM_001379480.1, NM_001379482.1); c.1398G>T, p.Lys466Asn (NM_001379484.1, NM_001379485.1, NM_015125.5); short protein forms K1375N, K466N.
Identifiers: ClinVar variation 3363607 (VCV003363607.1).
Genomic context (GRCh38, chr19:42,289,885, plus strand): 5'-TACTGTTCCCTCCACTCCCTCAGCTGACGATGGCTTCGGCACCACTGACATTGATCTCAA[G>T]TGCAAGGAGCGGGTGACCGACAGCGAGAGTGGGGACAGCTCTGGGGAGGACCCAGAGGGC-3'
Protein context (NP_001373227.1, residues 1365-1385): DGFGTTDIDL[Lys1375Asn]CKERVTDSES